The following is an entry in ClinVar:

ClinVar aggregate classification (germline): Uncertain significance. Review status: criteria provided, multiple submitters, no conflicts (2 of 4 stars). 2 submissions from 2 submitters: Uncertain significance (2). Last evaluated 2026-01-27.

Conditions:
Catecholaminergic polymorphic ventricular tachycardia 1. Also called: RYR2-Related Catecholaminergic Polymorphic Ventricular Tachycardia; VENTRICULAR TACHYCARDIA, STRESS-INDUCED POLYMORPHIC 1; VENTRICULAR TACHYCARDIA, CATECHOLAMINERGIC POLYMORPHIC, 1, WITH OR WITHOUT ATRIAL DYSFUNCTION AND/OR DILATED CARDIOMYOPATHY. Identifiers: Orphanet 3286, MedGen C1631597, MONDO:0011484, OMIM 604772.
Catecholaminergic polymorphic ventricular tachycardia (CVPT). Also called: Catecholamine-induced polymorphic ventricular tachycardia. Identifiers: Orphanet 3286, MedGen C5574922, MONDO:0017990.

gnomAD v4.1: 1 of 1,613,420 alleles (0.000062%); highest among the groups gnomAD compares: Non-Finnish European, 0.000085%; no homozygotes.

Submissions (2):

Labcorp Genetics (formerly Invitae), Labcorp
Classification: Uncertain significance for Catecholaminergic polymorphic ventricular tachycardia 1. Last evaluated: 2026-01-27. Review status: criteria provided, single submitter. Criteria: Invitae Variant Classification Sherloc (09022015). Collection method: clinical testing. Allele origin: germline.
Comment: This sequence change replaces leucine, which is neutral and non-polar, with valine, which is neutral and non-polar, at codon 470 of the RYR2 protein (p.Leu470Val). This variant is not present in population databases (gnomAD no frequency). This variant has not been reported in the literature in individuals affected with RYR2-related conditions. ClinVar contains an entry for this variant (Variation ID: 2998615). Invitae Evidence Modeling of protein sequence and biophysical properties (such as structural, functional, and spatial information, amino acid conservation, physicochemical variation, residue mobility, and thermodynamic stability) has been performed for this missense variant. However, the output from this modeling did not meet the statistical confidence thresholds required to predict the impact of this variant on RYR2 protein function. In summary, the available evidence is currently insufficient to determine the role of this variant in disease. Therefore, it has been classified as a Variant of Uncertain Significance.

All of Us Research Program, National Institutes of Health
Classification: Uncertain significance for Catecholaminergic polymorphic ventricular tachycardia. Last evaluated: 2023-06-26. Review status: criteria provided, single submitter. Criteria: ACMG Guidelines, 2015. Collection method: clinical testing. Allele origin: germline. Inheritance: Autosomal dominant inheritance. Observed: 1 variant allele, 1 heterozygote.
Comment: This missense variant replaces leucine with valine at codon 470 of the RYR2 protein. Computational prediction suggests that this variant may not impact protein structure and function (internally defined REVEL score threshold <= 0.5, PMID: 27666373). To our knowledge, functional studies have not been reported for this variant. This variant has not been reported in individuals affected with RYR2-related disorders in the literature. This variant has not been identified in the general population by the Genome Aggregation Database (gnomAD). The available evidence is insufficient to determine the role of this variant in disease conclusively. Therefore, this variant is classified as a Variant of Uncertain Significance.

This study involves interpretation of variants in research participants for the purpose of population health screening. Participant phenotype was not available at the time of variant classification. Additional details can be found in publication PMID: 35346344, PMCID: PMC8962531

NM_001035.3(RYR2):c.1408T>G (p.Leu470Val)

Gene: RYR2 (ryanodine receptor 2; plus strand). Cytogenetic location: 1q43.
Variant type: single nucleotide variant.
Coding change: c.1408T>G on transcript NM_001035.3 (MANE Select); coding-DNA position 1408, T replaced by G.
Protein change: p.Leu470Val; replaces leucine 470 with valine.
Molecular consequence: missense variant.
Genome position (GRCh38, 1-based): chr1:237,454,506, T>G. VCF-style: chr1-237454506-T-G. GRCh37 (hg19) VCF-style: chr1-237617806-T-G.
Other names: short protein forms L470V.
Identifiers: ClinVar variation 2998615 (VCV002998615.3), dbSNP rs1278315981, ClinGen allele CA345380480.